The following is an entry in ClinVar:

ClinVar aggregate classification (germline): Likely benign (1 of 4 stars; one submission).

Conditions:
Leigh syndrome (NULS). Also called: Leigh's necrotizing encephalopathy; Leigh's disease; Leigh Syndrome (mtDNA deletion); Leigh Disease; Subacute necrotizing encephalopathy; Necrotizing encephalopathy infantile subacute of Leigh. Identifiers: Orphanet 506, MedGen C2931891, MONDO:0009723, OMIM 256000.

Submission:

Wong Mito Lab, Molecular and Human Genetics, Baylor College of Medicine
Classification: Likely benign for Leigh syndrome. Last evaluated: 2019-10-17. Review status: criteria provided, single submitter. Criteria: Modified ACMG Guidelines (Unpublished). Collection method: clinical testing. Allele origin: germline.
Comment: The NC_012920.1:m.12512A>T (YP_003024036.1:p.Gln59Leu) variant in MTND5 gene is interpretated to be a Likely Benign variant based on the modified ACMG guidelines (unpublished). This variant meets the following evidence codes: BS4, BP6

NC_012920.1(MT-ND5):m.12512A>T

Gene: MT-ND5 (mitochondrially encoded NADH dehydrogenase 5; plus strand).
Variant type: single nucleotide variant.
Genome position: chrM-12512-A-T.
Identifiers: ClinVar variation 693456 (VCV000693456.1), dbSNP rs1603223776, ClinGen allele CA414813515.